The following is an entry in ClinVar:

NM_005251.3(FOXC2):c.1105dup (p.Leu369fs)

Gene: FOXC2 (forkhead box C2; plus strand). Cytogenetic location: 16q24.1.
Variant type: Duplication.
Coding change: c.1105dup on transcript NM_005251.3 (MANE Select); coding-DNA position 1105, one base duplicated (C; older notation c.1105dupC).
Protein change: p.Leu369fs; shifts the reading frame from leucine 369.
Molecular consequence: frameshift variant.
Genome position (GRCh38, 1-based): chr16:86,568,440, C duplicated; the last of 4 consecutive C bases (chr16:86,568,437-86,568,440); duplicating any one gives the same sequence. VCF-style (leftmost placement, unchanged base first): chr16-86568436-G-GC. GRCh37 (hg19) VCF-style: chr16-86602042-G-GC.
Other names: short protein forms L369fs.
Identifiers: ClinVar variation 3235898 (VCV003235898.1), dbSNP rs2507946080, ClinGen allele CA2825002455.

ClinVar aggregate classification (germline): Likely pathogenic (1 of 4 stars; one submission).

Conditions:
Distichiasis-lymphedema syndrome. Also called: LYMPHEDEMA WITH DISTICHIASIS. Identifiers: Orphanet 33001, MedGen C0265345, MONDO:0007922, OMIM 153400.

Submission:

New York Genome Center
Classification: Likely pathogenic for Distichiasis-lymphedema syndrome. Last evaluated: 2023-02-16. Review status: criteria provided, single submitter. Criteria: NYGC Assertion Criteria 2020. Collection method: clinical testing. Allele origin: de novo. Affected: yes. Observed: 1 heterozygote. Study: PrenatalSEQ.
Comment: The c.1105dup variant in FOXC2 has not previously been reported in the literature or public variant repositories (ClinVar and HGMD), and it is absent from population databases (gnomAD v2.1.1 and v3.1.2, TOPMed Freeze 8), suggesting it is not a common benign variant in the populations represented in these databases. The c.1105dup variant in FOXC2 is located in exon 1 of this 1-exon gene and is predicted to alter 94 codons after codon 369, resulting in a premature termination at codon 463 (p.(Leu369ProfsTer94)) resulting in disruption of >10% of this 502-amino acid long protein. Although this c.1105dup variant has not been identified in affected individuals, several frameshift variants with the same frame or overlapping frames have been reported in individuals with Lymphedema-distichiasis syndrome [PMID:12114478, 27570485, 34958143, 11371511]. Based on available evidence this de novo heterozygous c.1105dup, p.(Leu369ProfsTer94) variant identified in FOXC2 is classified as likely pathogenic.